The following is an entry in ClinVar:

NM_198253.3(TERT):c.2468+17G>A

Gene: TERT (telomerase reverse transcriptase; minus strand). Cytogenetic location: 5p15.33.
Variant type: single nucleotide variant.
Coding change: c.2468+17G>A on transcript NM_198253.3 (MANE Select); 17 bases into the intron after coding-DNA position 2468, G replaced by A.
Molecular consequence: intron variant.
Genome position (GRCh38, 1-based): chr5:1,271,102, C>T on the plus strand (G>A on the coding strand, the complement: TERT is on the minus strand). VCF-style: chr5-1271102-C-T. GRCh37 (hg19) VCF-style: chr5-1271217-C-T.
Other names: c.2468+17G>A (NM_001193376.3).
Identifiers: ClinVar variation 2925160 (VCV002925160.3), dbSNP rs2478199594, ClinGen allele CA2740091673.

ClinVar aggregate classification (germline): Uncertain significance (1 of 4 stars; one submission).

Conditions:
Dyskeratosis congenita, autosomal dominant 2. Identifiers: MedGen C3151443, MONDO:0013521, OMIM 613989.
Idiopathic Pulmonary Fibrosis. Also called: Idiopathic fibrosing alveolitis, chronic form; idiopathic fibrosing alveolitis. Identifiers: Orphanet 2032, MedGen C1800706, MeSH D054990, MONDO:0800504.

Submission:

Labcorp Genetics (formerly Invitae), Labcorp
Classification: Uncertain significance for Dyskeratosis congenita, autosomal dominant 2; Idiopathic Pulmonary Fibrosis. Last evaluated: 2023-09-03. Review status: criteria provided, single submitter. Criteria: Invitae Variant Classification Sherloc (09022015). Collection method: clinical testing. Allele origin: germline.
Comment: This sequence change falls in intron 8 of the TERT gene. It does not directly change the encoded amino acid sequence of the TERT protein. This variant is not present in population databases (gnomAD no frequency). This variant has not been reported in the literature in individuals affected with TERT-related conditions. Algorithms developed to predict the effect of sequence changes on RNA splicing suggest that this variant may create or strengthen a splice site. In summary, the available evidence is currently insufficient to determine the role of this variant in disease. Therefore, it has been classified as a Variant of Uncertain Significance.